The following is an entry in ClinVar:

NM_002693.3(POLG):c.143_166del (p.Gln48_Gln55del)

Genes: POLG (DNA polymerase gamma, catalytic subunit; minus strand), POLGARF (POLG alternative reading frame; minus strand). Cytogenetic location: 15q26.1.
Variant type: Deletion.
Coding change: c.143_166del on transcript NM_002693.3 (MANE Select); coding-DNA positions 143 to 166, 24 bases deleted (AGCAGCAGCAGCAGCAACAGCAGC).
Protein change: p.Gln48_Gln55del.
Molecular consequence: inframe deletion.
Genome position (GRCh38, 1-based): chr15:89,333,589-89,333,612, GCTGCTGTTGCTGCTGCTGCTGCT deleted on the plus strand (AGCAGCAGCAGCAGCAACAGCAGC on the coding strand, the reverse complement: POLG is on the minus strand); deleting any 24 consecutive bases within chr15:89,333,589-89,333,619 gives the same sequence; the c. name uses the placement nearest the transcript's 3' end. VCF-style (leftmost placement, unchanged base first): chr15-89333588-GGCTGCTGTTGCTGCTGCTGCTGCT-G. GRCh37 (hg19) VCF-style: chr15-89876819-GGCTGCTGTTGCTGCTGCTGCTGCT-G.
Other names: c.143_166del, p.Gln48_Gln55del (NM_001126131.2).
Identifiers: ClinVar variation 2126726 (VCV002126726.4), dbSNP rs1555454325, ClinGen allele CA2194573140.

ClinVar aggregate classification (germline): Uncertain significance (1 of 4 stars; one submission).

Conditions:
Progressive sclerosing poliodystrophy (MTDPS4A). Also called: Mitochondrial DNA Depletion Syndrome 4A; Alpers-Huttenlocher Syndrome (AHS); ALPERS PROGRESSIVE INFANTILE POLIODYSTROPHY; NEURONAL DEGENERATION OF CHILDHOOD WITH LIVER DISEASE, PROGRESSIVE; Mitochondrial DNA depletion syndrome 4A (Alpers type); Alpers Syndrome. Identifiers: Orphanet 726, MedGen C0205710, MONDO:0008758, OMIM 203700.

Submission:

Labcorp Genetics (formerly Invitae), Labcorp
Classification: Uncertain significance for Progressive sclerosing poliodystrophy. Last evaluated: 2022-04-16. Review status: criteria provided, single submitter. Criteria: Invitae Variant Classification Sherloc (09022015). Collection method: clinical testing. Allele origin: germline.
Comment: In summary, the available evidence is currently insufficient to determine the role of this variant in disease. Therefore, it has been classified as a Variant of Uncertain Significance. Experimental studies and prediction algorithms are not available or were not evaluated, and the functional significance of this variant is currently unknown. This variant has not been reported in the literature in individuals affected with POLG-related conditions. This variant is not present in population databases (gnomAD no frequency). This variant, c.143_166del, results in the deletion of 8 amino acid(s) of the POLG protein (p.Gln48_Gln55del), but otherwise preserves the integrity of the reading frame.